The following is an entry in ClinVar:

ClinVar aggregate classification (germline): Likely pathogenic. Review status: criteria provided, multiple submitters, no conflicts (2 of 4 stars). 2 submissions from 2 submitters: Likely pathogenic (2). Last evaluated 2024-02-29.

Conditions:
Nephropathic cystinosis (CTNS). Also called: LYSOSOMAL CYSTINE TRANSPORT PROTEIN, DEFECT OF; CYSTINOSIN, DEFECT OF; Abderhalden-Kaufmann-Lignac syndrome; Abderhalden Lignac Kaufmann disease. Identifiers: Orphanet 213, Orphanet 411629, MedGen C2931187, MONDO:0100151, OMIM 219800.

Submissions (2):

Baylor Genetics
Classification: Likely pathogenic for Nephropathic cystinosis. Last evaluated: 2024-02-29. Review status: criteria provided, single submitter. Criteria: ACMG Guidelines, 2015. Collection method: clinical testing. Allele origin: unknown.

3billion
Classification: Likely pathogenic for Nephropathic cystinosis. Last evaluated: 2022-09-01. Review status: criteria provided, single submitter. Criteria: ACMG Guidelines, 2015. Collection method: clinical testing. Allele origin: germline. Affected: yes. Observed: 1 heterozygote.
Comment: The variant is not observed in the gnomAD v2.1.1 dataset. Canonical splice site is predicted to alter splicing and result in a loss or disruption of normal protein function. Multiple pathogenic loss-of-function variants are reported downstream of the variant. Therefore, this variant is classified as Likely pathogenic according to the recommendation of ACMG/AMP guideline.

NM_004937.3(CTNS):c.140+1G>C

Gene: CTNS (cystinosin, lysosomal cystine transporter; plus strand). Cytogenetic location: 17p13.2.
Variant type: single nucleotide variant.
Coding change: c.140+1G>C on transcript NM_004937.3 (MANE Select); the canonical splice donor site of the intron after coding-DNA position 140, G replaced by C.
Molecular consequence: splice donor variant. On other transcripts: intron variant (1).
Genome position (GRCh38, 1-based): chr17:3,647,523, G>C. VCF-style: chr17-3647523-G-C. GRCh37 (hg19) VCF-style: chr17-3550817-G-C.
Other names: c.140+1G>C (NM_001031681.3, NM_001374492.1); c.-217+1G>C (NM_001374493.1, NM_001374496.1); c.-217+7256G>C (NM_001374495.1); c.-302+1G>C (NM_001374494.1).
Identifiers: ClinVar variation 1705610 (VCV001705610.2), dbSNP rs1567701415, ClinGen allele CA397687210.
Genomic context (GRCh38, chr17:3,647,523, plus strand): 5'-TGTTCCTCCTGTCGTAAAGCTGGAGAACGGCAGCTCGACCAACGTCAGCCTCACCCTGCG[G>C]TAAGTTCCTGGGCCTGGCGCTGTGCTCAGCTCCGCTCAGGCCCCGCAGCTGGGTCAGGGC-3'